The following is an entry in ClinVar:

NM_004320.6(ATP2A1):c.2423G>A (p.Gly808Asp)

Gene: ATP2A1 (ATPase sarcoplasmic/endoplasmic reticulum Ca2+ transporting 1; plus strand). Cytogenetic location: 16p11.2.
Variant type: single nucleotide variant.
Coding change: c.2423G>A on transcript NM_004320.6 (MANE Select); coding-DNA position 2423, G replaced by A.
Protein change: p.Gly808Asp; replaces glycine 808 with aspartic acid.
Molecular consequence: missense variant.
Genome position (GRCh38, 1-based): chr16:28,902,285, G>A. VCF-style: chr16-28902285-G-A. GRCh37 (hg19) VCF-style: chr16-28913606-G-A.
Other names: c.2048G>A, p.Gly683Asp (NM_001286075.2); c.2423G>A, p.Gly808Asp (NM_173201.5); short protein forms G683D, G808D.
Identifiers: ClinVar variation 953746 (VCV000953746.10), dbSNP rs1270731404, ClinGen allele CA395413888.
Genomic context (GRCh38, chr16:28,902,285, plus strand): 5'-TCCCGGTGCAGCTGCTATGGGTGAACTTGGTGACCGACGGGCTCCCAGCCACAGCCCTGG[G>A]CTTCAACCCACCAGACCTGGACATCATGGACCGCCCCCCCCGGAGCCCCAAGGAGCCCCT-3'
Protein context (NP_004311.1, residues 798-818): VTDGLPATAL[Gly808Asp]FNPPDLDIMD

ClinVar aggregate classification (germline): Uncertain significance (1 of 4 stars; one submission).

Conditions:
Brody myopathy. Also called: BRODY DISEASE. Identifiers: Orphanet 53347, MedGen C1832918, MONDO:0010977, OMIM 601003.

Allele frequency attached by ClinVar (database versions not stated): gnomAD exomes below 0.00001 and 0.00001.

Submission:

Labcorp Genetics (formerly Invitae), Labcorp
Classification: Uncertain significance for Brody myopathy. Last evaluated: 2019-07-17. Review status: criteria provided, single submitter. Criteria: Invitae Variant Classification Sherloc (09022015). Collection method: clinical testing. Allele origin: germline.
Comment: In summary, the available evidence is currently insufficient to determine the role of this variant in disease. Therefore, it has been classified as a Variant of Uncertain Significance. Algorithms developed to predict the effect of missense changes on protein structure and function are either unavailable or do not agree on the potential impact of this missense change (SIFT: "Deleterious"; PolyPhen-2: "Probably Damaging"; Align-GVGD: "Class C0"). This variant has not been reported in the literature in individuals with ATP2A1-related conditions. This variant is not present in population databases (ExAC no frequency). This sequence change replaces glycine with aspartic acid at codon 808 of the ATP2A1 protein (p.Gly808Asp). The glycine residue is highly conserved and there is a moderate physicochemical difference between glycine and aspartic acid.